The following is an entry in ClinVar:

ClinVar aggregate classification (germline): Pathogenic. Review status: reviewed by expert panel (3 of 4 stars). 2 submissions from 2 submitters: Pathogenic (1). 1 of the submissions does not count toward it. Last evaluated 2025-05-02.

Conditions:
Hereditary thrombocytopenia and hematologic cancer predisposition syndrome. Identifiers: Orphanet 71290, MedGen CN281654, MONDO:0011071.
Hereditary thrombocytopenia and hematological cancer predisposition syndrome associated with RUNX1. Also called: Familial Platelet Disorder with Propensity to Acute Myelogenous Leukemia; Familial thrombocytopenia with propensity to acute myelogenous leukemia; PLATELET DISORDER, ASPIRIN-LIKE; RUNX1 Familial Platelet Disorder with Associated Myeloid Malignancies. Identifiers: Orphanet 71290, MedGen C1832388, MeSH C563324, MONDO:0100083, OMIM 601399.

Submissions (2):

ClinGen Myeloid Malignancy Variant Curation Expert Panel
Classification: Pathogenic for Hereditary thrombocytopenia and hematologic cancer predisposition syndrome. Last evaluated: 2025-05-02. Review status: reviewed by expert panel. Criteria: ClinGen MyeloMalig ACMG Specifications v2. Collection method: curation. Allele origin: germline. Inheritance: Autosomal dominant inheritance.
Comment: NM_001754.5(RUNX1):c.277dup (p.Asp93fs) is a frameshift variant which is predicted to undergo nonsense-mediated decay in a gene in which loss-of-function is an established mechanism (frameshift (+) c.98–c.779 as per VCEP specifications) (PVS1). This variant is completely absent from all population databases with at least 20x coverage for RUNX1 (PM2_Supporting). This variant is downstream of c.98 (PM5_Supporting). It has been reported in one proband meeting at least one of the RUNX1-phenotypic criteria (PS4_Supporting; PMID: 39772771). In summary, this variant meets criteria to be classified as pathogenic. ACMG/AMP criteria applied, as specified by the Myeloid Malignancy Variant Curation Expert Panel for RUNX1: PVS1, PM2_Supporting, PM5_Supporting, PS4_Supporting.

Labcorp Genetics (formerly Invitae), Labcorp
Classification: Pathogenic for Hereditary thrombocytopenia and hematological cancer predisposition syndrome associated with RUNX1. Last evaluated: 2024-09-05. Review status: criteria provided, single submitter. Criteria: Invitae Variant Classification Sherloc (09022015). Collection method: clinical testing. Allele origin: germline. Not counted in ClinVar's aggregate classification.
Comment: This sequence change creates a premature translational stop signal (p.Asp93Glyfs*45) in the RUNX1 gene. It is expected to result in an absent or disrupted protein product. Loss-of-function variants in RUNX1 are known to be pathogenic (PMID: 18723428, 24100448). This variant is not present in population databases (gnomAD no frequency). This variant has not been reported in the literature in individuals affected with RUNX1-related conditions. For these reasons, this variant has been classified as Pathogenic.

Literature cited by the submitters: PubMed 18723428 (cited by Labcorp Genetics (formerly Invitae), Labcorp); PubMed 24100448 (cited by Labcorp Genetics (formerly Invitae), Labcorp).

NM_001754.5(RUNX1):c.277dup (p.Asp93fs)

Gene: RUNX1 (RUNX family transcription factor 1; minus strand). Cytogenetic location: 21q22.12.
Variant type: Duplication.
Coding change: c.277dup on transcript NM_001754.5 (MANE Select); coding-DNA position 277, one base duplicated (G; older notation c.277dupG).
Protein change: p.Asp93fs; shifts the reading frame from aspartic acid 93.
Molecular consequence: frameshift variant.
Genome position (GRCh38, 1-based): chr21:34,886,917, C duplicated on the plus strand (G on the coding strand, the reverse complement: RUNX1 is on the minus strand). VCF-style (leftmost placement, unchanged base first): chr21-34886916-T-TC. GRCh37 (hg19) VCF-style: chr21-36259213-T-TC.
Other names: NM_001754.5(RUNX1):c.277dup; p.Asp93fs; c.196dup, p.Asp66fs (NM_001001890.3, NM_001122607.2); short protein forms D66fs, D93fs.
Identifiers: ClinVar variation 3638768 (VCV003638768.3).
Genomic context (GRCh38, chr21:34,886,916, plus strand): 5'-GGCAGGGTCTTGTTGCAGCGCCAGTGCGTAGGCAGCACGGAGCAGAGGAAGTTGGGGCTG[T>TC]CGGTGCGCACCAGCTCGCCCGGGTGGTCGGCCAGCACCTCCACCATGCTGCGGTCGCCGC-3'